The following is an entry in ClinVar:

ClinVar aggregate classification (germline): Uncertain significance (1 of 4 stars; one submission).

Submission:

Women's Health and Genetics/Laboratory Corporation of America, LabCorp
Classification: Uncertain significance. Last evaluated: 2021-03-19. Review status: criteria provided, single submitter. Criteria: LabCorp Variant Classification Summary - May 2015. Collection method: clinical testing. Allele origin: germline.
Comment: Variant summary: BRCA2 c.67G>C (p.Asp23His) results in a non-conservative amino acid change in the encoded protein sequence. Four of five in-silico tools predict a damaging effect of the variant on protein function. Several computational tools predict a significant impact on normal splicing: Three predict that the variant abolishes a 5-prime splicing donor site. However, these predictions have yet to be confirmed by functional studies. The variant was absent in 250582 control chromosomes. The available data on variant occurrences in the general population are insufficient to allow any conclusion about variant significance. To our knowledge, no occurrence of c.67G>C in individuals affected with Hereditary Breast And Ovarian Cancer Syndrome and no experimental evidence demonstrating its impact on protein function have been reported. No clinical diagnostic laboratories have submitted clinical-significance assessments for this variant to ClinVar after 2014. Based on the evidence outlined above, the variant was classified as uncertain significance.

NM_000059.4(BRCA2):c.67G>C (p.Asp23His)

Gene: BRCA2 (BRCA2 DNA repair associated; plus strand). Cytogenetic location: 13q13.1.
Variant type: single nucleotide variant.
Coding change: c.67G>C on transcript NM_000059.4 (MANE Select); coding-DNA position 67, G replaced by C.
Protein change: p.Asp23His; replaces aspartic acid 23 with histidine.
Molecular consequence: missense variant.
Genome position (GRCh38, 1-based): chr13:32,316,527, G>C. VCF-style: chr13-32316527-G-C. GRCh37 (hg19) VCF-style: chr13-32890664-G-C.
Other names: short protein forms D23H.
Identifiers: ClinVar variation 1050821 (VCV001050821.1), dbSNP rs397507881, ClinGen allele CA387753121.